The following is an entry in ClinVar:

ClinVar aggregate classification (germline): Uncertain significance. Review status: criteria provided, single submitter (1 of 4 stars). 2 submissions from 2 submitters: Uncertain significance (1). 1 of the submissions does not count toward it. Last evaluated 2017-11-06.

Conditions:
VPS33B-related disorder. Also called: VPS33B-related condition.

Allele frequency attached by ClinVar (database versions not stated): gnomAD exomes 0.00002 and 0.00008; TOPMed 0.00003; ExAC 0.00007.
gnomAD v4.1: 22 of 1,614,012 alleles (0.0014%); highest among the groups gnomAD compares: Admixed American, 0.037%; no homozygotes.

Submissions (2):

Eurofins Ntd Llc (ga)
Classification: Uncertain significance. Last evaluated: 2017-11-06. Review status: criteria provided, single submitter. Criteria: EGL Classification Definitions 2015. Collection method: clinical testing. Allele origin: germline. Observed: 1 variant allele, 1 heterozygote.

PreventionGenetics, part of Exact Sciences
Classification: Likely benign for VPS33B-related condition. Last evaluated: 2022-04-04. Review status: no assertion criteria provided. Collection method: clinical testing. Allele origin: germline. Not counted in ClinVar's aggregate classification.
Comment: This variant is classified as likely benign based on ACMG/AMP sequence variant interpretation guidelines (Richards et al. 2015 PMID: 25741868, with internal and published modifications).

NM_018668.5(VPS33B):c.177+5T>A

Gene: VPS33B (VPS33B late endosome and lysosome associated; minus strand). Cytogenetic location: 15q26.1.
Variant type: single nucleotide variant.
Coding change: c.177+5T>A on transcript NM_018668.5 (MANE Select); 5 bases into the intron after coding-DNA position 177, T replaced by A.
Molecular consequence: intron variant.
Genome position (GRCh38, 1-based): chr15:91,017,800, A>T on the plus strand (T>A on the coding strand, the complement: VPS33B is on the minus strand). VCF-style: chr15-91017800-A-T. GRCh37 (hg19) VCF-style: chr15-91561030-A-T.
Other names: c.97-776T>A (NM_001289148.1); c.-35+5T>A (NM_001289149.1); c.177+5T>A (NM_018668.4).
Identifiers: ClinVar variation 594882 (VCV000594882.7), dbSNP rs747146575, ClinGen allele CA7745198.
Genomic context (GRCh38, chr15:91,017,800, plus strand): 5'-GTATTGTTCATCAAAAGAAAAACTGCTTAAAGAGGGGCATGGCCCCCAGGGGAAAGGGAC[A>T]GTACCTTCAGGATGGAGACATTGGCAATTCGATCCAAAGGGCTCATGAGATCTGCCTCAA-3'